The following is an entry in ClinVar:

NM_177438.3(DICER1):c.919C>T (p.Arg307Cys)

Gene: DICER1 (dicer 1, ribonuclease III; minus strand). Cytogenetic location: 14q32.13.
Variant type: single nucleotide variant.
Coding change: c.919C>T on transcript NM_177438.3 (MANE Select); coding-DNA position 919, C replaced by T.
Protein change: p.Arg307Cys; replaces arginine 307 with cysteine.
Molecular consequence: missense variant.
Genome position (GRCh38, 1-based): chr14:95,124,653, G>A on the plus strand (C>T on the coding strand, the complement: DICER1 is on the minus strand). VCF-style: chr14-95124653-G-A. GRCh37 (hg19) VCF-style: chr14-95590990-G-A.
Other names: c.919C>T, p.Arg307Cys (NM_001195573.1, NM_001271282.3, NM_001291628.2 and 1 more transcripts); short protein forms R307C.
Identifiers: ClinVar variation 477294 (VCV000477294.16), dbSNP rs772431718, ClinGen allele CA7331545.

ClinVar aggregate classification (germline): Conflicting classifications of pathogenicity. Review status: criteria provided, conflicting classifications (1 of 4 stars). 3 submissions from 3 submitters: Uncertain significance (2); Likely benign (1). Last evaluated 2026-01-28.

Conditions:
DICER1-related disorder. Also called: DICER1-related condition.
DICER1-related tumor predisposition. Also called: DICER1 syndrome; DICER1-related pleuropulmonary blastoma cancer predisposition syndrome. Identifiers: Orphanet 284343, MedGen C3839822, MONDO:0100216.
Hereditary cancer-predisposing syndrome. Also called: Neoplastic Syndromes, Hereditary; Hereditary Cancer Syndrome; Tumor predisposition; Hereditary neoplastic syndrome. Identifiers: Orphanet 140162, MedGen C0027672, MeSH D009386, MONDO:0015356.

Allele frequency attached by ClinVar (database versions not stated): gnomAD 0.00002; TOPMed 0.00002; gnomAD exomes 0.00003 and 0.00006; ExAC 0.00007.

Submissions (3):

Labcorp Genetics (formerly Invitae), Labcorp
Classification: Likely benign for DICER1-related tumor predisposition. Last evaluated: 2026-01-28. Review status: criteria provided, single submitter. Criteria: Invitae Variant Classification Sherloc (09022015). Collection method: clinical testing. Allele origin: germline.

Ambry Genetics
Classification: Uncertain significance for Hereditary cancer-predisposing syndrome. Last evaluated: 2025-12-12. Review status: criteria provided, single submitter. Criteria: Ambry Variant Classification Scheme 2023. Collection method: clinical testing. Allele origin: germline.
Comment: The p.R307C variant (also known as c.919C>T), located in coding exon 7 of the DICER1 gene, results from a C to T substitution at nucleotide position 919. The arginine at codon 307 is replaced by cysteine, an amino acid with highly dissimilar properties. This amino acid position is well conserved in available vertebrate species. In addition, the in silico prediction for this alteration is inconclusive. Since supporting evidence is limited at this time, the clinical significance of this alteration remains unclear.

PreventionGenetics, part of Exact Sciences
Classification: Uncertain significance for DICER1-related condition. Last evaluated: 2025-01-23. Review status: criteria provided, single submitter. Criteria: ACMG Guidelines, 2015. Collection method: clinical testing. Allele origin: germline.
Comment: The DICER1 c.919C>T variant is predicted to result in the amino acid substitution p.Arg307Cys. To our knowledge, this variant has not been reported in the literature. This variant is reported in 0.026% of alleles in individuals of South Asian descent in gnomAD. It has conflicting interpretations ranging from uncertain to likely benign in ClinVar. Although we suspect that this variant may be benign, at this time, the clinical significance of this variant is uncertain due to the absence of conclusive functional and genetic evidence.